The following is an entry in ClinVar:

ClinVar aggregate classification (germline): Likely benign (1 of 4 stars; one submission).

Conditions:
INVS-related disorder. Also called: INVS-related condition.

Submission:

PreventionGenetics, part of Exact Sciences
Classification: Likely benign for INVS-related condition. Last evaluated: 2026-05-16. Review status: criteria provided, single submitter. Criteria: ACMG Guidelines, 2015. Collection method: clinical testing. Allele origin: germline.
Comment: This variant is classified as likely benign based on ACMG/AMP sequence variant interpretation guidelines (Richards et al. 2015 PMID: 25741868, with internal and published modifications).

NM_014425.5(INVS):c.270G>A (p.Gln90=)

Gene: INVS (inversin; plus strand). Cytogenetic location: 9q31.1.
Variant type: single nucleotide variant.
Coding change: c.270G>A on transcript NM_014425.5 (MANE Select); coding-DNA position 270, G replaced by A.
Protein change: p.Gln90=; no amino-acid change (glutamine 90 retained).
Molecular consequence: synonymous variant. On other transcripts: 5 prime UTR variant (2), non-coding transcript variant (1).
Genome position (GRCh38, 1-based): chr9:100,126,546, G>A. VCF-style: chr9-100126546-G-A. GRCh37 (hg19) VCF-style: chr9-102888828-G-A.
Other names: c.-107G>A (NM_001318381.2); c.-720G>A (NM_001318382.2).
Identifiers: ClinVar variation 4991256 (VCV004991256.1).